The following is an entry in ClinVar:

NM_024407.5(NDUFS7):c.139C>T (p.Pro47Ser)

Gene: NDUFS7 (NADH:ubiquinone oxidoreductase core subunit S7; plus strand). Cytogenetic location: 19p13.3.
Variant type: single nucleotide variant.
Coding change: c.139C>T on transcript NM_024407.5 (MANE Select); coding-DNA position 139, C replaced by T.
Protein change: p.Pro47Ser; replaces proline 47 with serine.
Molecular consequence: missense variant.
Genome position (GRCh38, 1-based): chr19:1,388,849, C>T. VCF-style: chr19-1388849-C-T. GRCh37 (hg19) VCF-style: chr19-1388848-C-T.
Other names: c.139C>T, p.Pro47Ser (NM_001363602.2); short protein forms P47S.
Identifiers: ClinVar variation 3622585 (VCV003622585.2).

ClinVar aggregate classification (germline): Uncertain significance (1 of 4 stars; one submission).

Submission:

Labcorp Genetics (formerly Invitae), Labcorp
Classification: Uncertain significance. Last evaluated: 2025-06-12. Review status: criteria provided, single submitter. Criteria: Invitae Variant Classification Sherloc (09022015). Collection method: clinical testing. Allele origin: germline.
Comment: This sequence change replaces proline, which is neutral and non-polar, with serine, which is neutral and polar, at codon 47 of the NDUFS7 protein (p.Pro47Ser). This variant is present in population databases (rs754948521, gnomAD 0.02%). This variant has not been reported in the literature in individuals affected with NDUFS7-related conditions. ClinVar contains an entry for this variant (Variation ID: 3622585). An algorithm developed to predict the effect of missense changes on protein structure and function outputs the following: PolyPhen-2: "Benign". The serine amino acid residue is found in multiple mammalian species, which suggests that this missense change does not adversely affect protein function. In summary, the available evidence is currently insufficient to determine the role of this variant in disease. Therefore, it has been classified as a Variant of Uncertain Significance.